The following is an entry in ClinVar:

NM_002948.5(RPL15):c.349A>G (p.Asn117Asp)

Genes: NKIRAS1 (NFKB inhibitor interacting Ras like 1; minus strand), RPL15 (ribosomal protein L15; plus strand). Cytogenetic location: 3p24.2.
Variant type: single nucleotide variant.
Coding change: c.349A>G on transcript NM_002948.5 (MANE Select); coding-DNA position 349, A replaced by G.
Protein change: p.Asn117Asp; replaces asparagine 117 with aspartic acid.
Molecular consequence: missense variant. On other transcripts: intron variant (1).
Genome position (GRCh38, 1-based): chr3:23,919,235, A>G. VCF-style: chr3-23919235-A-G. GRCh37 (hg19) VCF-style: chr3-23960726-A-G.
Other names: c.-139-7785T>C (NM_001377380.1); c.349A>G, p.Asn117Asp (NM_001253379.2, NM_001253380.2, NM_001253382.2 and 2 more transcripts); short protein forms N117D.
Identifiers: ClinVar variation 1383127 (VCV001383127.7), dbSNP rs2125255813, ClinGen allele CA351882003.

ClinVar aggregate classification (germline): Uncertain significance (1 of 4 stars; one submission).

gnomAD v4.1: 5 of 1,613,858 alleles (0.00031%); highest among the groups gnomAD compares: Non-Finnish European, 0.00042%; no homozygotes.

Submission:

Labcorp Genetics (formerly Invitae), Labcorp
Classification: Uncertain significance. Last evaluated: 2024-07-01. Review status: criteria provided, single submitter. Criteria: Invitae Variant Classification Sherloc (09022015). Collection method: clinical testing. Allele origin: germline.
Comment: This sequence change replaces asparagine, which is neutral and polar, with aspartic acid, which is acidic and polar, at codon 117 of the RPL15 protein (p.Asn117Asp). This variant is not present in population databases (gnomAD no frequency). This variant has not been reported in the literature in individuals affected with RPL15-related conditions. ClinVar contains an entry for this variant (Variation ID: 1383127). An algorithm developed to predict the effect of missense changes on protein structure and function (PolyPhen-2) suggests that this variant is likely to be disruptive. In summary, the available evidence is currently insufficient to determine the role of this variant in disease. Therefore, it has been classified as a Variant of Uncertain Significance.